The following is an entry in ClinVar:

ClinVar aggregate classification (germline): Likely pathogenic (1 of 4 stars; one submission).

Conditions:
MED13L-related disorder. Also called: MED13L-related condition.

Submission:

PreventionGenetics, part of Exact Sciences
Classification: Likely pathogenic for MED13L-related condition. Last evaluated: 2023-08-30. Review status: criteria provided, single submitter. Criteria: ACMG Guidelines, 2015. Collection method: clinical testing. Allele origin: germline.
Comment: The MED13L c.4899dupT variant is predicted to result in a frameshift and premature protein termination (p.Gly1634Trpfs*4). To our knowledge, this variant has not been reported in the literature or in a large population database, indicating this variant is rare. Frameshift variants in MED13L are expected to be pathogenic. This variant is interpreted as likely pathogenic.

NM_015335.5(MED13L):c.4899dup (p.Gly1634fs)

Gene: MED13L (mediator complex subunit 13L; minus strand). Cytogenetic location: 12q24.21.
Variant type: Duplication.
Coding change: c.4899dup on transcript NM_015335.5 (MANE Select); coding-DNA position 4899, one base duplicated (T; older notation c.4899dupT).
Protein change: p.Gly1634fs; shifts the reading frame from glycine 1634.
Molecular consequence: frameshift variant.
Genome position (GRCh38, 1-based): chr12:115,983,173, A duplicated on the plus strand (T on the coding strand, the reverse complement: MED13L is on the minus strand). VCF-style (leftmost placement, unchanged base first): chr12-115983172-C-CA. GRCh37 (hg19) VCF-style: chr12-116420977-C-CA.
Other names: short protein forms G1634fs.
Identifiers: ClinVar variation 2631773 (VCV002631773.1), dbSNP rs2499826159, ClinGen allele CA2695199176.